The following is an entry in ClinVar:

ClinVar aggregate classification (germline): Uncertain significance. Review status: no assertion criteria provided (0 of 4 stars). 2 submissions from 1 submitter: Uncertain significance (1). 1 of the submissions does not count toward it.

Submissions (2):

Richard Lifton Laboratory, Yale University School of Medicine
Classification: Uncertain significance. Review status: no assertion criteria provided. Collection method: not provided. Allele origin: somatic.
Comment: LARS2:p.W528C
ClinVar note: Converted during submission from unknown to Uncertain significance.

Richard Lifton Laboratory, Yale University School of Medicine
Classification: Uncertain significance. Review status: flagged submission. Collection method: not provided. Allele origin: somatic. Not counted in ClinVar's aggregate classification.
ClinVar note: Converted during submission from unknown to Uncertain significance.
ClinVar note: Reason: This record appears to be redundant with a more recent record from the same submitter.
ClinVar note: Notes: SCV000120087 appears to be redundant with SCV000155191.

NM_015340.4(LARS2):c.1584G>C (p.Trp528Cys)

Genes: LARS2 (leucyl-tRNA synthetase 2, mitochondrial; plus strand), LARS2-AS1 (LARS2 antisense RNA 1; minus strand). Cytogenetic location: 3p21.31.
Variant type: single nucleotide variant.
Coding change: c.1584G>C on transcript NM_015340.4 (MANE Select); coding-DNA position 1584, G replaced by C.
Protein change: p.Trp528Cys; replaces tryptophan 528 with cysteine.
Molecular consequence: missense variant.
Genome position (GRCh38, 1-based): chr3:45,496,335, G>C. VCF-style: chr3-45496335-G-C. GRCh37 (hg19) VCF-style: chr3-45537827-G-C.
Other names: c.1584G>C, p.Trp528Cys (NM_001368263.1); short protein forms W528C.
Identifiers: ClinVar variation 100862 (VCV000100862.2), dbSNP rs483352739, ClinGen allele CA229150.